The following is an entry in ClinVar:

ClinVar aggregate classification (germline): Uncertain significance. Review status: criteria provided, multiple submitters, no conflicts (2 of 4 stars). 2 submissions from 2 submitters: Uncertain significance (2). Last evaluated 2024-12-02.

Conditions:
Epilepsy, progressive myoclonic, 1B. Also called: PME. Identifiers: Orphanet 308, MedGen C2676254, MONDO:0012904, OMIM 612437.

Allele frequency attached by ClinVar (database versions not stated): gnomAD 0.00001 and 0.00002; gnomAD exomes 0.00001 and 0.00004; ExAC 0.00002; TOPMed 0.00002; 1000 Genomes Project 30x 0.00031; 1000 Genomes Project 0.00040.
gnomAD v4.1: 61 of 1,614,078 alleles (0.0038%); highest among the groups gnomAD compares: Non-Finnish European, 0.0047%; no homozygotes.

Submissions (2):

Labcorp Genetics (formerly Invitae), Labcorp
Classification: Uncertain significance for Epilepsy, progressive myoclonic, 1B. Last evaluated: 2024-12-02. Review status: criteria provided, single submitter. Criteria: Invitae Variant Classification Sherloc (09022015). Collection method: clinical testing. Allele origin: germline.
Comment: This sequence change replaces arginine, which is basic and polar, with histidine, which is basic and polar, at codon 682 of the PRICKLE1 protein (p.Arg682His). This variant is present in population databases (rs189093086, gnomAD 0.007%). This variant has not been reported in the literature in individuals affected with PRICKLE1-related conditions. ClinVar contains an entry for this variant (Variation ID: 1002752). Invitae Evidence Modeling of protein sequence and biophysical properties (such as structural, functional, and spatial information, amino acid conservation, physicochemical variation, residue mobility, and thermodynamic stability) has been performed for this missense variant. However, the output from this modeling did not meet the statistical confidence thresholds required to predict the impact of this variant on PRICKLE1 protein function. In summary, the available evidence is currently insufficient to determine the role of this variant in disease. Therefore, it has been classified as a Variant of Uncertain Significance.

GeneDx
Classification: Uncertain significance. Last evaluated: 2017-04-26. Review status: criteria provided, single submitter. Criteria: GeneDx Variant Classification Process June 2021. Collection method: clinical testing. Allele origin: germline. Affected: yes.
Comment: Not observed at a significant frequency in large population cohorts (Lek et al., 2016; McVean et al., 2012; Exome Variant Server); In-silico analyses, including protein predictors and evolutionary conservation, are inconsistent in their assessment as to whether or not the variant is damaging

NM_153026.3(PRICKLE1):c.2045G>A (p.Arg682His)

Gene: PRICKLE1 (prickle planar cell polarity protein 1; minus strand). Cytogenetic location: 12q12.
Variant type: single nucleotide variant.
Coding change: c.2045G>A on transcript NM_153026.3 (MANE Select); coding-DNA position 2045, G replaced by A.
Protein change: p.Arg682His; replaces arginine 682 with histidine.
Molecular consequence: missense variant.
Genome position (GRCh38, 1-based): chr12:42,460,260, C>T on the plus strand (G>A on the coding strand, the complement: PRICKLE1 is on the minus strand). VCF-style: chr12-42460260-C-T. GRCh37 (hg19) VCF-style: chr12-42854062-C-T.
Other names: c.2045G>A, p.Arg682His (NM_001144881.2, NM_001144882.2, NM_001144883.2); short protein forms R682H.
Identifiers: ClinVar variation 1002752 (VCV001002752.6), dbSNP rs189093086, ClinGen allele CA6519661.
Genomic context (GRCh38, chr12:42,460,260, plus strand): 5'-CGCAGTCTGTCCTTGGGAGAGTATTTTCTTTCTGTAACAAGATTCAGGGCATTGTCGGAG[C>T]GGGACTTTCTACTTCTCCGGCGGCGGTGGTGATGAGACCTGGATCCCCTCTCTTCAAAAT-3'
Protein context (NP_694571.2, residues 672-692): HHRRRRSRKS[Arg682His]SDNALNLVTE